The following is an entry in ClinVar:

NM_020795.4(NLGN2):c.373G>A (p.Asp125Asn)

Gene: NLGN2 (neuroligin 2; plus strand). Cytogenetic location: 17p13.1.
Variant type: single nucleotide variant.
Coding change: c.373G>A on transcript NM_020795.4 (MANE Select); coding-DNA position 373, G replaced by A.
Protein change: p.Asp125Asn; replaces aspartic acid 125 with asparagine.
Molecular consequence: missense variant.
Genome position (GRCh38, 1-based): chr17:7,408,628, G>A. VCF-style: chr17-7408628-G-A. GRCh37 (hg19) VCF-style: chr17-7311947-G-A.
Other names: short protein forms D125N.
Identifiers: ClinVar variation 426146 (VCV000426146.2), dbSNP rs1085307473, ClinGen allele CA397814651.

ClinVar aggregate classification (germline): Uncertain significance (1 of 4 stars; one submission).

Allele frequency attached by ClinVar (database versions not stated): gnomAD exomes below 0.00001 and 0.00001; TOPMed below 0.00001.
gnomAD v4.1: 20 of 1,609,786 alleles (0.0012%); highest among the groups gnomAD compares: Admixed American, 0.0017%; no homozygotes.

Submission:

GeneDx
Classification: Uncertain significance. Last evaluated: 2018-09-24. Review status: criteria provided, single submitter. Criteria: GeneDx Variant Classification (06012015). Collection method: clinical testing. Allele origin: germline. Affected: yes.
Comment: The D125N variant in the NLGN2 gene has not been reported previously as a pathogenic variant, nor as a benign variant, to our knowledge. This variant is not observed in large population cohorts (Lek et al., 2016; 1000 Genomes Consortium et al., 2015; Exome Variant Server). The D125N variant is a semi-conservative amino acid substitution, which may impact secondary protein structure as these residues differ in some properties. This substitution occurs at a position that is conserved in mammals. In silico analysis is inconsistent in its predictions as to whether or not the variant is damaging to the protein structure/function. Based on currently available evidence, we interpret D125N as a variant of uncertain significance.